The following is an entry in ClinVar:

NM_002968.3(SALL1):c.2780A>G (p.Gln927Arg)

Gene: SALL1 (spalt like transcription factor 1; minus strand). Cytogenetic location: 16q12.1.
Variant type: single nucleotide variant.
Coding change: c.2780A>G on transcript NM_002968.3 (MANE Select); coding-DNA position 2780, A replaced by G.
Protein change: p.Gln927Arg; replaces glutamine 927 with arginine.
Molecular consequence: missense variant.
Genome position (GRCh38, 1-based): chr16:51,139,442, T>C on the plus strand (A>G on the coding strand, the complement: SALL1 is on the minus strand). VCF-style: chr16-51139442-T-C. GRCh37 (hg19) VCF-style: chr16-51173353-T-C.
Other names: c.2489A>G, p.Gln830Arg (NM_001127892.2); short protein forms Q927R, Q830R.
Identifiers: ClinVar variation 2720671 (VCV002720671.3), dbSNP rs1451625908, ClinGen allele CA395883858.
Genomic context (GRCh38, chr16:51,139,442, plus strand): 5'-TTCTCCTCAATGCTGGGTGACTTGTGGAACTCCTGCGTGCTGTTGGACGGGGACAGAGCC[T>C]GCATGGAAGAGGTAGACTCTGAGATGGCTGGGCTGCCAGCACTTTGGCTTTCCATGTCAC-3'
Protein context (NP_002959.2, residues 917-937): PAISESTSSM[Gln927Arg]ALSPSNSTQE

ClinVar aggregate classification (germline): Uncertain significance (1 of 4 stars; one submission).

Conditions:
Townes syndrome (TBS). Also called: Townes-Brocks syndrome. Identifiers: Orphanet 857, MedGen C0265246, MeSH C536974, MONDO:0007142.

Allele frequency attached by ClinVar (database versions not stated): gnomAD exomes below 0.00001; TOPMed 0.00001.
gnomAD v4.1: 5 of 1,614,202 alleles (0.00031%); highest among the groups gnomAD compares: Non-Finnish European, 0.00042%; no homozygotes.

Submission:

Labcorp Genetics (formerly Invitae), Labcorp
Classification: Uncertain significance for Townes syndrome. Last evaluated: 2023-03-16. Review status: criteria provided, single submitter. Criteria: Invitae Variant Classification Sherloc (09022015). Collection method: clinical testing. Allele origin: germline.
Comment: In summary, the available evidence is currently insufficient to determine the role of this variant in disease. Therefore, it has been classified as a Variant of Uncertain Significance. Advanced modeling of protein sequence and biophysical properties (such as structural, functional, and spatial information, amino acid conservation, physicochemical variation, residue mobility, and thermodynamic stability) performed at Invitae indicates that this missense variant is not expected to disrupt SALL1 protein function. This variant has not been reported in the literature in individuals affected with SALL1-related conditions. This variant is not present in population databases (gnomAD no frequency). This sequence change replaces glutamine, which is neutral and polar, with arginine, which is basic and polar, at codon 927 of the SALL1 protein (p.Gln927Arg).